The following is an entry in ClinVar:

NM_000780.4(CYP7A1):c.1066C>T (p.Leu356Phe)

Genes: CYP7A1 (cytochrome P450 family 7 subfamily A member 1; minus strand), LOC126860400 (BRD4-independent group 4 enhancer GRCh37_chr8:59404317-59405516; plus strand). Cytogenetic location: 8q12.1.
Variant type: single nucleotide variant.
Coding change: c.1066C>T on transcript NM_000780.4 (MANE Select); coding-DNA position 1066, C replaced by T.
Protein change: p.Leu356Phe; replaces leucine 356 with phenylalanine.
Molecular consequence: missense variant.
Genome position (GRCh38, 1-based): chr8:58,492,502, G>A on the plus strand (C>T on the coding strand, the complement: CYP7A1 is on the minus strand). VCF-style: chr8-58492502-G-A. GRCh37 (hg19) VCF-style: chr8-59405061-G-A.
Other names: short protein forms L356F.
Identifiers: ClinVar variation 2779151 (VCV002779151.3), dbSNP rs1351320462, ClinGen allele CA371292048.

ClinVar aggregate classification (germline): Uncertain significance (1 of 4 stars; one submission).

Allele frequency attached by ClinVar (database versions not stated): gnomAD exomes below 0.00001.

Submission:

Labcorp Genetics (formerly Invitae), Labcorp
Classification: Uncertain significance. Last evaluated: 2023-12-17. Review status: criteria provided, single submitter. Criteria: Invitae Variant Classification Sherloc (09022015). Collection method: clinical testing. Allele origin: germline.
Comment: This sequence change replaces leucine, which is neutral and non-polar, with phenylalanine, which is neutral and non-polar, at codon 356 of the CYP7A1 protein (p.Leu356Phe). This variant is present in population databases (no rsID available, gnomAD 0.006%). This variant has not been reported in the literature in individuals affected with CYP7A1-related conditions. Advanced modeling of protein sequence and biophysical properties (such as structural, functional, and spatial information, amino acid conservation, physicochemical variation, residue mobility, and thermodynamic stability) performed at Invitae indicates that this missense variant is not expected to disrupt CYP7A1 protein function with a negative predictive value of 80%. In summary, the available evidence is currently insufficient to determine the role of this variant in disease. Therefore, it has been classified as a Variant of Uncertain Significance.